The following is an entry in ClinVar:

NM_152703.5(SAMD9L):c.4463T>C (p.Val1488Ala)

Gene: SAMD9L (sterile alpha motif domain containing 9 like; minus strand). Cytogenetic location: 7q21.2.
Variant type: single nucleotide variant.
Coding change: c.4463T>C on transcript NM_152703.5 (MANE Select); coding-DNA position 4463, T replaced by C.
Protein change: p.Val1488Ala; replaces valine 1488 with alanine.
Molecular consequence: missense variant.
Genome position (GRCh38, 1-based): chr7:93,131,509, A>G on the plus strand (T>C on the coding strand, the complement: SAMD9L is on the minus strand). VCF-style: chr7-93131509-A-G. GRCh37 (hg19) VCF-style: chr7-92760822-A-G.
Other names: c.4463T>C, p.Val1488Ala (NM_001303496.3, NM_001303497.3, NM_001303498.3 and 5 more transcripts); short protein forms V1488A.
Identifiers: ClinVar variation 3949925 (VCV003949925.1).

ClinVar aggregate classification (germline): Uncertain significance (1 of 4 stars; one submission).

Conditions:
Inborn genetic diseases. Identifiers: MedGen C0950123, MeSH D030342.

gnomAD v4.1: 3 of 1,613,854 alleles (0.00019%); highest among the groups gnomAD compares: African/African-American, 0.0013%; no homozygotes.

Submission:

Ambry Genetics
Classification: Uncertain significance for Inborn genetic diseases. Last evaluated: 2025-05-17. Review status: criteria provided, single submitter. Criteria: Ambry Variant Classification Scheme 2023. Collection method: clinical testing. Allele origin: germline.
Comment: The p.V1488A variant (also known as c.4463T>C), located in coding exon 1 of the SAMD9L gene, results from a T to C substitution at nucleotide position 4463. The valine at codon 1488 is replaced by alanine, an amino acid with similar properties. This amino acid position is conserved. In addition, the in silico prediction for this alteration is inconclusive. Based on the available evidence, the clinical significance of this variant remains unclear.